The following is an entry in ClinVar:

NM_002609.4(PDGFRB):c.1687G>A (p.Glu563Lys)

Gene: PDGFRB (platelet derived growth factor receptor beta; minus strand). Cytogenetic location: 5q32.
Variant type: single nucleotide variant.
Coding change: c.1687G>A on transcript NM_002609.4 (MANE Select); coding-DNA position 1687, G replaced by A.
Protein change: p.Glu563Lys; replaces glutamic acid 563 with lysine.
Molecular consequence: missense variant.
Genome position (GRCh38, 1-based): chr5:150,125,565, C>T on the plus strand (G>A on the coding strand, the complement: PDGFRB is on the minus strand). VCF-style: chr5-150125565-C-T. GRCh37 (hg19) VCF-style: chr5-149505128-C-T.
Other names: c.1495G>A, p.Glu499Lys (NM_001355016.2); c.1204G>A, p.Glu402Lys (NM_001355017.2); c.1687G>A (NM_002609.3); short protein forms E402K, E499K, E563K.
Identifiers: ClinVar variation 1005357 (VCV001005357.7), dbSNP rs1483057981, ClinGen allele CA361766386.

ClinVar aggregate classification (germline): Uncertain significance. Review status: criteria provided, multiple submitters, no conflicts (2 of 4 stars). 2 submissions from 2 submitters: Uncertain significance (2). Last evaluated 2023-06-12.

Conditions:
Infantile myofibromatosis (IMF). Also called: Congenital generalized fibromatosis. Identifiers: Orphanet 2591, MedGen C0432284, MONDO:0016824.
Basal ganglia calcification, idiopathic, 4 (PFBC4). Also called: Familial Idiopathic Basal Ganglia Calcification 4; PRIMARY FAMILIAL BRAIN CALCIFICATION 4, AUTOSOMAL DOMINANT. Identifiers: Orphanet 1980, MedGen C3554321, MONDO:0014004, OMIM 615007.
Skeletal overgrowth-craniofacial dysmorphism-hyperelastic skin-white matter lesions syndrome. Also called: SKELETAL OVERGROWTH WITH FACIAL DYSMORPHISM, HYPERELASTIC SKIN, WHITE MATTER LESIONS, AND NEUROLOGIC DETERIORATION; Kosaki overgrowth syndrome. Identifiers: Orphanet 477831, MedGen C4225270, MONDO:0014704, OMIM 616592.
Acroosteolysis-keloid-like lesions-premature aging syndrome. Also called: Premature aging syndrome, Penttinen type; Prematurely aged appearance, delayed bone maturation, acro-osteolysis, and brachydactyly; Progeroid syndrome, Penttinen type. Identifiers: Orphanet 363665, MedGen C1866182, MONDO:0011150, OMIM 601812.
PDGFRB-related disorder. Also called: PDGFRB-related condition.

Allele frequency attached by ClinVar (database versions not stated): gnomAD exomes 0.00001; TOPMed below 0.00001; gnomAD 0.00001.
gnomAD v4.1: 12 of 1,613,806 alleles (0.00074%); highest among the groups gnomAD compares: East Asian, 0.0022%; no homozygotes.

Submissions (2):

PreventionGenetics, part of Exact Sciences
Classification: Uncertain significance for PDGFRB-related condition. Last evaluated: 2023-06-12. Review status: criteria provided, single submitter. Criteria: ACMG Guidelines, 2015. Collection method: clinical testing. Allele origin: germline.
Comment: The PDGFRB c.1687G>A variant is predicted to result in the amino acid substitution p.Glu563Lys. To our knowledge, this variant has not been reported in the literature. This variant is reported in 0.0065% of alleles in individuals of European (Non-Finnish) descent in gnomAD. At this time, the clinical significance of this variant is uncertain due to the absence of conclusive functional and genetic evidence.

Labcorp Genetics (formerly Invitae), Labcorp
Classification: Uncertain significance for Basal ganglia calcification, idiopathic, 4; Skeletal overgrowth-craniofacial dysmorphism-hyperelastic skin-white matter lesions syndrome; Infantile myofibromatosis; Acroosteolysis-keloid-like lesions-premature aging syndrome. Last evaluated: 2021-09-01. Review status: criteria provided, single submitter. Criteria: Invitae Variant Classification Sherloc (09022015). Collection method: clinical testing. Allele origin: germline.
Comment: This sequence change replaces glutamic acid with lysine at codon 563 of the PDGFRB protein (p.Glu563Lys). The glutamic acid residue is highly conserved and there is a small physicochemical difference between glutamic acid and lysine. This variant is not present in population databases (ExAC no frequency). This variant has not been reported in the literature in individuals affected with PDGFRB-related conditions. Algorithms developed to predict the effect of missense changes on protein structure and function are either unavailable or do not agree on the potential impact of this missense change (SIFT: "Deleterious"; PolyPhen-2: "Probably Damaging"; Align-GVGD: "Class C0"). In summary, the available evidence is currently insufficient to determine the role of this variant in disease. Therefore, it has been classified as a Variant of Uncertain Significance.